The following is an entry in ClinVar:

ClinVar aggregate classification (germline): Likely benign (1 of 4 stars; one submission).

Submission:

CeGaT Center for Human Genetics Tuebingen
Classification: Likely benign. Last evaluated: 2026-03-01. Review status: criteria provided, single submitter. Criteria: CeGaT Center For Human Genetics Tuebingen Variant Classification Criteria Version 2. Collection method: clinical testing. Allele origin: germline. Affected: yes. Observed: 1 variant allele.
Comment: SRCAP: BP4, BP7

NM_006662.3(SRCAP):c.5235G>A (p.Thr1745=)

Gene: SRCAP (Snf2 related CREBBP activator protein; plus strand). Cytogenetic location: 16p11.2.
Variant type: single nucleotide variant.
Coding change: c.5235G>A on transcript NM_006662.3 (MANE Select); coding-DNA position 5235, G replaced by A.
Protein change: p.Thr1745=; no amino-acid change (threonine 1745 retained).
Molecular consequence: synonymous variant.
Genome position (GRCh38, 1-based): chr16:30,724,659, G>A. VCF-style: chr16-30724659-G-A. GRCh37 (hg19) VCF-style: chr16-30735980-G-A.
Identifiers: ClinVar variation 4821050 (VCV004821050.4).
Genomic context (GRCh38, chr16:30,724,659, plus strand): 5'-ACCAACTCCAGCCCAGACACTGTCTTTGGCACCAGGACCACCACTGGGTCCAACTCAGAC[G>A]CTGTCTCTGGCTCCAGCACCCCCTCTGGCTCCAGCTTCTCCAGTGGGCCCAGCCCCAGCT-3'
Protein context (NP_006653.2, residues 1735-1755): APGPPLGPTQ[Thr1745=]LSLAPAPPLA